The following is an entry in ClinVar:

ClinVar aggregate classification (germline): Uncertain significance (1 of 4 stars; one submission).

Conditions:
Progressive myoclonic epilepsy type 7. Identifiers: Orphanet 435438, MedGen C4015420, MONDO:0014521, OMIM 616187.

Submission:

Labcorp Genetics (formerly Invitae), Labcorp
Classification: Uncertain significance for Progressive myoclonic epilepsy type 7. Last evaluated: 2022-06-04. Review status: criteria provided, single submitter. Criteria: Invitae Variant Classification Sherloc (09022015). Collection method: clinical testing. Allele origin: germline.
Comment: This variant has not been reported in the literature in individuals affected with KCNC1-related conditions. This sequence change replaces arginine, which is basic and polar, with histidine, which is basic and polar, at codon 23 of the KCNC1 protein (p.Arg23His). This variant is not present in population databases (gnomAD no frequency). ClinVar contains an entry for this variant (Variation ID: 938579). Algorithms developed to predict the effect of missense changes on protein structure and function are either unavailable or do not agree on the potential impact of this missense change (SIFT: "Deleterious"; PolyPhen-2: "Probably Damaging"; Align-GVGD: "Class C0"). In summary, the available evidence is currently insufficient to determine the role of this variant in disease. Therefore, it has been classified as a Variant of Uncertain Significance.

NM_001112741.2(KCNC1):c.68G>A (p.Arg23His)

Gene: KCNC1 (potassium voltage-gated channel subfamily C member 1; plus strand). Cytogenetic location: 11p15.1.
Variant type: single nucleotide variant.
Coding change: c.68G>A on transcript NM_001112741.2 (MANE Select); coding-DNA position 68, G replaced by A.
Protein change: p.Arg23His; replaces arginine 23 with histidine.
Molecular consequence: missense variant.
Genome position (GRCh38, 1-based): chr11:17,736,070, G>A. VCF-style: chr11-17736070-G-A. GRCh37 (hg19) VCF-style: chr11-17757617-G-A.
Other names: c.68G>A, p.Arg23His (NM_004976.4); short protein forms R23H.
Identifiers: ClinVar variation 938579 (VCV000938579.10), dbSNP rs1158193192, ClinGen allele CA379798858.